The following is an entry in ClinVar:

NM_000303.3(PMM2):c.647A>T (p.Asn216Ile)

Gene: PMM2 (phosphomannomutase 2; plus strand). Cytogenetic location: 16p13.2.
Variant type: single nucleotide variant.
Coding change: c.647A>T on transcript NM_000303.3 (MANE Select); coding-DNA position 647, A replaced by T.
Protein change: p.Asn216Ile; replaces asparagine 216 with isoleucine.
Molecular consequence: missense variant.
Genome position (GRCh38, 1-based): chr16:8,847,731, A>T. VCF-style: chr16-8847731-A-T. GRCh37 (hg19) VCF-style: chr16-8941588-A-T.
Other names: short protein forms N216I.
Identifiers: ClinVar variation 7707 (VCV000007707.24), dbSNP rs78290141, ClinGen allele CA254229.

ClinVar aggregate classification (germline): Pathogenic/Likely pathogenic. Review status: criteria provided, multiple submitters, no conflicts (2 of 4 stars). 9 submissions from 9 submitters: Pathogenic (7); Likely pathogenic (1). 1 of the submissions does not count toward it. Last evaluated 2025-11-01.

Conditions:
PMM2-congenital disorder of glycosylation. Also called: Congenital disorder of glycosylation, type Ia; PHOSPHOMANNOMUTASE 2 DEFICIENCY; CARBOHYDRATE-DEFICIENT GLYCOPROTEIN SYNDROME, TYPE Ia; CDG Ia; JAEKEN SYNDROME; PMM2-CDG. Identifiers: Orphanet 79318, MedGen C0349653, MONDO:0008907, OMIM 212065.

gnomAD v4.1: 2 of 1,612,698 alleles (0.00012%); highest among the groups gnomAD compares: Middle Eastern, 0.017%; no homozygotes.

Submissions (9):

Medical Molecular Genetics, National Research Centre
Classification: Pathogenic for PMM2-congenital disorder of glycosylation. Last evaluated: 2025-11-01. Review status: criteria provided, single submitter. Criteria: ACMG Guidelines, 2015. Collection method: research. Allele origin: inherited. Affected: yes.

Natera, Inc.
Classification: Pathogenic for Congenital disorder of glycosylation type 1a. Last evaluated: 2025-03-25. Review status: criteria provided, single submitter. Criteria: Natera Variant Classification Schema (03/2026). Collection method: clinical testing. Allele origin: germline.
Comment: The c.647A>T variant in PMM2 is a missense variant predicted to cause substitution of asparagine to isoleucine at amino acid 216. This variant is rare in the general population with a frequency below the threshold expected for the associated phenotype(s). This variant has been observed in one or more individuals affected with the associated recessive disease, as either homozygous or compound heterozygous with a second variant (PMID: 31981409). Given the available evidence, this variant is classified as Pathogenic.

Labcorp Genetics (formerly Invitae), Labcorp
Classification: Pathogenic for PMM2-congenital disorder of glycosylation. Last evaluated: 2025-03-10. Review status: criteria provided, single submitter. Criteria: Invitae Variant Classification Sherloc (09022015). Collection method: clinical testing. Allele origin: germline.
Comment: This sequence change replaces asparagine, which is neutral and polar, with isoleucine, which is neutral and non-polar, at codon 216 of the PMM2 protein (p.Asn216Ile). This variant is not present in population databases (gnomAD no frequency). This missense change has been observed in individuals with PMM2-congenital disorder of glycosylation (PMID: 9140401, 9497260, 11875054, 12905014, 23430838, 25355454). ClinVar contains an entry for this variant (Variation ID: 7707). Invitae Evidence Modeling of protein sequence and biophysical properties (such as structural, functional, and spatial information, amino acid conservation, physicochemical variation, residue mobility, and thermodynamic stability) indicates that this missense variant is expected to disrupt PMM2 protein function with a positive predictive value of 95%. Experimental studies have shown that this missense change affects PMM2 function (PMID: 9140401, 25355454). For these reasons, this variant has been classified as Pathogenic.

3billion
Classification: Pathogenic for PMM2-congenital disorder of glycosylation. Last evaluated: 2022-09-01. Review status: criteria provided, single submitter. Criteria: ACMG Guidelines, 2015. Collection method: clinical testing. Allele origin: germline. Affected: yes. Observed: 1 homozygote.
Comment: The variant is not observed in the gnomAD v2.1.1 dataset. In silico tool predictions suggest damaging effect of the variant on gene or gene product (REVEL: 0.93; 3Cnet: 1.00). Same nucleotide change resulting in same amino acid change has been previously reported as pathogenic/likely pathogenic with strong evidence (ClinVar ID: VCV000007707). The variant has been reported to be in trans with a pathogenic variant as either compound heterozygous or homozygous in at least one similarly affected unrelated individual (PMID: 12905014). A different missense change at the same codon (p.Asn216Ser) has been reported to be associated with PMM2 -related disorder (PMID: 11058896). Therefore, this variant is classified as Pathogenic according to the recommendation of ACMG/AMP guideline.

Laboratory of Medical Genetics, National & Kapodistrian University of Athens
Classification: Pathogenic for PMM2-congenital disorder of glycosylation. Last evaluated: 2022-06-28. Review status: criteria provided, single submitter. Criteria: ACMG Guidelines, 2015. Collection method: clinical testing. Allele origin: germline. Affected: yes.
Comment: PS4, PM1, PM2, PM5, PP2, PP3, PP5

Women's Health and Genetics/Laboratory Corporation of America, LabCorp
Classification: Pathogenic for PMM2-congenital disorder of glycosylation. Last evaluated: 2022-03-02. Review status: criteria provided, single submitter. Criteria: LabCorp Variant Classification Summary - May 2015. Collection method: clinical testing. Allele origin: germline.
Comment: Variant summary: PMM2 c.647A>T (p.Asn216Ile) results in a non-conservative amino acid change in the encoded protein sequence. Five of five in-silico tools predict a damaging effect of the variant on protein function. The variant was absent in 251180 control chromosomes. c.647A>T has been reported in the literature in individuals affected with Congenital Disorder Of Glycosylation Type 1a. These data indicate that the variant may be associated with disease. One clinical diagnostic laboratory has submitted clinical-significance assessments for this variant to ClinVar after 2014 without evidence for independent evaluation and classified the variant as pathogenic. Based on the evidence outlined above, the variant was classified as pathogenic.

Eurofins Ntd Llc (ga)
Classification: Pathogenic. Last evaluated: 2014-07-17. Review status: criteria provided, single submitter. Criteria: EGL Classification Definitions 2015. Collection method: clinical testing. Allele origin: germline. Observed: 2 variant alleles, 2 heterozygotes.

Pediatric Metabolic Diseases, Hacettepe University
Classification: Likely pathogenic for PMM2-congenital disorder of glycosylation. Review status: criteria provided, single submitter. Criteria: ACMG Guidelines, 2015. Collection method: clinical testing. Allele origin: germline. Affected: yes.

OMIM
Classification: Pathogenic for CONGENITAL DISORDER OF GLYCOSYLATION, TYPE Ia. Last evaluated: 2003-10-01. Review status: no assertion criteria provided. Collection method: literature only. Allele origin: germline. Not counted in ClinVar's aggregate classification.

Literature cited by the submitters: PubMed 31981409 (cited by Natera, Inc.); PubMed 9140401 (cited by 3 submitters); PubMed 9497260 (cited by Labcorp Genetics (formerly Invitae), Labcorp and Women's Health and Genetics/Laboratory Corporation of America, LabCorp); PubMed 11875054 (cited by Labcorp Genetics (formerly Invitae), Labcorp); PubMed 12905014 (cited by 4 submitters); PubMed 23430838 (cited by Labcorp Genetics (formerly Invitae), Labcorp); PubMed 25355454 (cited by Labcorp Genetics (formerly Invitae), Labcorp and Women's Health and Genetics/Laboratory Corporation of America, LabCorp); PubMed 11058896 (cited by 3billion); PubMed 11156536 (cited by Eurofins Ntd Llc (ga)); PubMed 12357336 (cited by Eurofins Ntd Llc (ga)).